The following is an entry in ClinVar:

ClinVar aggregate classification (germline): Conflicting classifications of pathogenicity. Review status: criteria provided, conflicting classifications (1 of 4 stars). 11 submissions from 11 submitters: Uncertain significance (4); Likely benign (5). 2 of the submissions do not count toward it. Last evaluated 2026-02-03.

Conditions:
Breast-ovarian cancer, familial, susceptibility to, 1 (BROVCA1). Also called: BRCA1 Hereditary Breast and Ovarian Cancer; OVARIAN CANCER, SUSCEPTIBILITY TO. Identifiers: Orphanet 145, MedGen C2676676, MONDO:0011450, OMIM 604370. Disease mechanism: loss of function.
Hereditary cancer-predisposing syndrome. Also called: Hereditary Cancer Syndrome; Neoplastic Syndromes, Hereditary; Hereditary neoplastic syndrome; Tumor predisposition. Identifiers: Orphanet 140162, MedGen C0027672, MeSH D009386, MONDO:0015356.
Hereditary breast ovarian cancer syndrome. Also called: Hereditary breast and/or ovarian cancer syndrome; Hereditary breast and ovarian cancer syndrome; Hereditary breast and ovarian cancer; Hereditary breast and ovarian cancer syndrome (HBOC); Breast and ovarian cancer; BRCA1- and BRCA2-Associated Hereditary Breast and Ovarian Cancer. Identifiers: Orphanet 145, MedGen C0677776, MeSH D061325, MONDO:0003582. Disease mechanism: loss of function.

Allele frequency attached by ClinVar (database versions not stated): ExAC 0.00001; gnomAD 0.00001; TOPMed 0.00001.
gnomAD v4.1: 3 of 1,613,940 alleles (0.00019%); highest among the groups gnomAD compares: Non-Finnish European, 0.00025%; no homozygotes.

Submissions (11):

Labcorp Genetics (formerly Invitae), Labcorp
Classification: Likely benign for Hereditary breast ovarian cancer syndrome. Last evaluated: 2026-02-03. Review status: criteria provided, single submitter. Criteria: Invitae Variant Classification Sherloc (09022015). Collection method: clinical testing. Allele origin: germline.

Molecular Pathology, Peter Maccallum Cancer Centre
Classification: Likely benign for Breast-ovarian cancer, familial, susceptibility to, 1. Last evaluated: 2025-03-07. Review status: criteria provided, single submitter. Criteria: ACMG Guidelines, 2015. Collection method: clinical testing. Allele origin: germline. Inheritance: Autosomal dominant inheritance.

GeneDx
Classification: Uncertain significance. Last evaluated: 2024-09-03. Review status: criteria provided, single submitter. Criteria: GeneDx Variant Classification Process June 2021. Collection method: clinical testing. Allele origin: germline. Affected: yes.
Comment: Observed in individuals with a personal and/or family history of BRCA1/2-related cancers (PMID: 16267036, 39062721); In silico analysis supports that this missense variant has a deleterious effect on protein structure/function; Not observed at significant frequency in large population cohorts (gnomAD); Also known as 3029A>C; This variant is associated with the following publications: (PMID: 25722345, 25348012, 31131967, 15343273, 39062721, 16267036)

Ambry Genetics
Classification: Uncertain significance for Hereditary cancer-predisposing syndrome. Last evaluated: 2024-03-04. Review status: criteria provided, single submitter. Criteria: Ambry Variant Classification Scheme 2023. Collection method: clinical testing. Allele origin: germline.
Comment: The p.K970N variant (also known as c.2910A>C), located in coding exon 9 of the BRCA1 gene, results from an A to C substitution at nucleotide position 2910. The lysine at codon 970 is replaced by asparagine, an amino acid with similar properties. This amino acid position is not well conserved in available vertebrate species. In addition, this alteration is predicted to be tolerated by in silico analysis. Based on the available evidence, the clinical significance of this alteration remains unclear.

Blueprint Genetics
Classification: Likely benign. Last evaluated: 2024-01-29. Review status: criteria provided, single submitter. Criteria: ACMG Guidelines, 2015. Collection method: clinical testing. Allele origin: germline.

Quest Diagnostics Nichols Institute San Juan Capistrano
Classification: Uncertain significance. Last evaluated: 2024-01-09. Review status: criteria provided, single submitter. Criteria: Quest Diagnostics criteria. Collection method: clinical testing. Allele origin: unknown.
Comment: The BRCA1 c.2910A>C (p.Lys970Asn) variant has been reported in the published literature in individuals with breast cancer (PMID: 16267036 (2005)), and described to be located in a region of the BRCA1 gene that is tolerant to missense sequence changes (PMID: 31911673 (2020)). The frequency of this variant in the general population, 0.000008 (2/251346 chromosomes (Genome Aggregation Database)), is uninformative in the assessment of its pathogenicity. Analysis of this variant using bioinformatics tools for the prediction of the effect of amino acid changes on protein structure and function yielded predictions that this variant is benign. Based on the available information, we are unable to determine the clinical significance of this variant.

Department of Pathology and Laboratory Medicine, Sinai Health System
Classification: Uncertain significance for Hereditary breast ovarian cancer syndrome. Last evaluated: 2023-05-03. Review status: criteria provided, single submitter. Criteria: ACMG Guidelines, 2015. Collection method: clinical testing. Allele origin: germline. Affected: yes.

University of Washington Department of Laboratory Medicine, University of Washington
Classification: Likely benign for Hereditary cancer-predisposing syndrome. Last evaluated: 2023-03-23. Review status: criteria provided, single submitter. Criteria: Dines et al. (Genet Med. 2020). Collection method: curation. Allele origin: germline.
Comment: Missense variant in a coldspot region where missense variants are very unlikely to be pathogenic (PMID:31911673).

BRCA1 coldspot (exon 11 using historical exon numbering). Reclassification based on statistical prior probability

Color Diagnostics, LLC DBA Color Health
Classification: Likely benign for Hereditary cancer-predisposing syndrome. Last evaluated: 2017-03-08. Review status: criteria provided, single submitter. Criteria: ACMG Guidelines, 2015. Collection method: clinical testing. Allele origin: germline.

Counsyl
Classification: Uncertain significance for Breast-ovarian cancer, familial, susceptibility to, 1. Last evaluated: 2015-12-22. Review status: no assertion criteria provided. Collection method: clinical testing. Allele origin: unknown. Not counted in ClinVar's aggregate classification.

Sharing Clinical Reports Project (SCRP)
Classification: Benign for Breast-ovarian cancer, familial 1. Last evaluated: 2012-01-25. Review status: no assertion criteria provided. Collection method: clinical testing. Allele origin: germline. Not counted in ClinVar's aggregate classification.

Literature cited by the submitters: PubMed 31911673 (cited by Quest Diagnostics Nichols Institute San Juan Capistrano); PubMed 25722345 (cited by Quest Diagnostics Nichols Institute San Juan Capistrano and Counsyl); PubMed 25348012 (cited by Quest Diagnostics Nichols Institute San Juan Capistrano and Counsyl); PubMed 16267036 (cited by Quest Diagnostics Nichols Institute San Juan Capistrano and Counsyl).

NM_007294.4(BRCA1):c.2910A>C (p.Lys970Asn)

Gene: BRCA1 (BRCA1 DNA repair associated; minus strand). Cytogenetic location: 17q21.31.
Variant type: single nucleotide variant.
Coding change: c.2910A>C on transcript NM_007294.4 (MANE Select); coding-DNA position 2910, A replaced by C.
Protein change: p.Lys970Asn; replaces lysine 970 with asparagine.
Molecular consequence: missense variant. On other transcripts: intron variant (137).
Genome position (GRCh38, 1-based): chr17:43,092,621, T>G on the plus strand (A>C on the coding strand, the complement: BRCA1 is on the minus strand). VCF-style: chr17-43092621-T-G. GRCh37 (hg19) VCF-style: chr17-41244638-T-G.
Other names: p.K970N:AAA>AAC; 3029A>C; c.2697A>C, p.Lys899Asn (NM_001407571.1, NM_001407853.1, NM_001407894.1 and 9 more transcripts); c.2910A>C, p.Lys970Asn (NM_001407581.1, NM_001407582.1, NM_001407583.1 and 30 more transcripts); c.2907A>C, p.Lys969Asn (NM_001407587.1, NM_001407590.1, NM_001407591.1 and 22 more transcripts); c.2901A>C, p.Lys967Asn (NM_001407646.1, NM_001407647.1); c.2829A>C, p.Lys943Asn (NM_001407660.1, NM_001407661.1, NM_001407662.1 and 1 more transcripts); c.2832A>C, p.Lys944Asn (NM_001407663.1, NM_001407653.1, NM_001407654.1 and 4 more transcripts); and 43 more; short protein forms K970N, K923N, K859N, K900N, K929N, K969N, K802N, K842N.
Identifiers: ClinVar variation 96910 (VCV000096910.35), dbSNP rs431825394, ClinGen allele CA001895.